The following is an entry in ClinVar:

ClinVar aggregate classification (germline): Uncertain significance (1 of 4 stars; one submission).

Allele frequency attached by ClinVar (database versions not stated): gnomAD exomes below 0.00001.
gnomAD v4.1: 2 of 1,613,798 alleles (0.00012%); highest among the groups gnomAD compares: Non-Finnish European, 0.00017%; no homozygotes.

Submission:

GeneDx
Classification: Uncertain significance. Last evaluated: 2013-06-21. Review status: criteria provided, single submitter. Criteria: GeneDx Variant Classification (06012015). Collection method: clinical testing. Allele origin: germline. Affected: yes.
Comment: Missense variants in the TTN gene are considered 'unclassified' if they are not previously reported in the literature and do not have >1% frequency in the population to be considered a polymorphism. Research indicates that truncating mutations in the TTN gene are expected to account for approximately 25% of familial and 18% of sporadic idiopathic DCM; however, truncating variants in the TTN gene have been reported in approximately 3% of reported control alleles. There has been little investigation into non-truncating variants. (Herman D et al. Truncations of titin causing dilated cardiomyopathy. N Eng J Med 366:619-628, 2012) The variant is found in DCM panel(s).

NM_001267550.2(TTN):c.95063T>C (p.Leu31688Ser)

Genes: TTN (titin; minus strand), TTN-AS1 (TTN antisense RNA 1; plus strand). Cytogenetic location: 2q31.2.
Variant type: single nucleotide variant.
Coding change: c.95063T>C on transcript NM_001267550.2 (MANE Select); coding-DNA position 95063, T replaced by C.
Protein change: p.Leu31688Ser; replaces leucine 31688 with serine.
Molecular consequence: missense variant.
Genome position (GRCh38, 1-based): chr2:178,546,268, A>G on the plus strand (T>C on the coding strand, the complement: TTN is on the minus strand). VCF-style: chr2-178546268-A-G. GRCh37 (hg19) VCF-style: chr2-179410995-A-G.
Other names: p.L30047S:TTA>TCA; c.90140T>C, p.Leu30047Ser (NM_001256850.1); c.67868T>C, p.Leu22623Ser (NM_003319.4); c.87359T>C, p.Leu29120Ser (NM_133378.4); c.68243T>C, p.Leu22748Ser (NM_133432.3); c.68444T>C, p.Leu22815Ser (NM_133437.4); short protein forms L30047S, L31688S, L22623S, L22815S, L22748S, L29120S.
Identifiers: ClinVar variation 203010 (VCV000203010.2), dbSNP rs794729538, ClinGen allele CA310968.